The following is an entry in ClinVar:

ClinVar aggregate classification (germline): Uncertain significance (1 of 4 stars; one submission).

Submission:

GeneDx
Classification: Uncertain significance. Last evaluated: 2025-07-23. Review status: criteria provided, single submitter. Criteria: GeneDx Variant Classification Process June 2021. Collection method: clinical testing. Allele origin: germline. Affected: yes.
Comment: Not observed at significant frequency in large population cohorts (gnomAD); In silico analysis supports that this missense variant has a deleterious effect on protein structure/function; Has not been previously published as pathogenic or benign to our knowledge

NM_003041.4(SLC5A2):c.164A>G (p.Tyr55Cys)

Gene: SLC5A2 (solute carrier family 5 member 2; plus strand). Cytogenetic location: 16p11.2.
Variant type: single nucleotide variant.
Coding change: c.164A>G on transcript NM_003041.4 (MANE Select); coding-DNA position 164, A replaced by G.
Protein change: p.Tyr55Cys; replaces tyrosine 55 with cysteine.
Molecular consequence: missense variant. On other transcripts: non-coding transcript variant (1).
Genome position (GRCh38, 1-based): chr16:31,484,710, A>G. VCF-style: chr16-31484710-A-G. GRCh37 (hg19) VCF-style: chr16-31496031-A-G.
Other names: short protein forms Y55C.
Identifiers: ClinVar variation 4686839 (VCV004686839.1).